The following is an entry in ClinVar:

NM_004612.4(TGFBR1):c.1017C>G (p.Ile339Met)

Gene: TGFBR1 (transforming growth factor beta receptor 1; plus strand). Cytogenetic location: 9q22.33.
Variant type: single nucleotide variant.
Coding change: c.1017C>G on transcript NM_004612.4 (MANE Select); coding-DNA position 1017, C replaced by G.
Protein change: p.Ile339Met; replaces isoleucine 339 with methionine.
Molecular consequence: missense variant. On other transcripts: non-coding transcript variant (4).
Genome position (GRCh38, 1-based): chr9:99,144,775, C>G. VCF-style: chr9-99144775-C-G. GRCh37 (hg19) VCF-style: chr9-101907057-C-G.
Other names: c.786C>G, p.Ile262Met (NM_001130916.3, NM_001407435.1); c.1029C>G, p.Ile343Met (NM_001306210.2); c.861C>G, p.Ile287Met (NM_001407416.1); c.849C>G, p.Ile283Met (NM_001407417.1); c.822C>G, p.Ile274Met (NM_001407418.1, NM_001407419.1, NM_001407420.1 and 1 more transcripts); c.810C>G, p.Ile270Met (NM_001407423.1, NM_001407424.1, NM_001407425.1 and 8 more transcripts); c.771C>G, p.Ile257Met (NM_001407436.1); c.309C>G, p.Ile103Met (NM_001407437.1); and 1 more; short protein forms I103M, I180M, I257M, I262M, I270M, I274M, I283M, I287M.
Identifiers: ClinVar variation 3070150 (VCV003070150.3), dbSNP rs1479309854, ClinGen allele CA374231342.

ClinVar aggregate classification (germline): Uncertain significance. Review status: criteria provided, multiple submitters, no conflicts (2 of 4 stars). 3 submissions from 3 submitters: Uncertain significance (3). Last evaluated 2026-05-04.

Conditions:
Familial thoracic aortic aneurysm and aortic dissection (TAAD). Also called: Thoracic aortic aneurysms and dissections. Identifiers: Orphanet 91387, MedGen C4707243, MONDO:0019625.
Loeys-Dietz syndrome (LDS). Identifiers: Orphanet 60030, MedGen C2697932, MONDO:0018954.

gnomAD v4.1: 9 of 1,613,898 alleles (0.00056%); highest among the groups gnomAD compares: Non-Finnish European, 0.00068%; no homozygotes.

Submissions (3):

Women's Health and Genetics/Laboratory Corporation of America, LabCorp
Classification: Uncertain significance. Last evaluated: 2026-05-04. Review status: criteria provided, single submitter. Criteria: LabCorp Variant Classification Summary - May 2015. Collection method: clinical testing. Allele origin: germline.

Labcorp Genetics (formerly Invitae), Labcorp
Classification: Uncertain significance for Familial thoracic aortic aneurysm and aortic dissection. Last evaluated: 2025-03-25. Review status: criteria provided, single submitter. Criteria: Invitae Variant Classification Sherloc (09022015). Collection method: clinical testing. Allele origin: germline.
Comment: This sequence change replaces isoleucine, which is neutral and non-polar, with methionine, which is neutral and non-polar, at codon 339 of the TGFBR1 protein (p.Ile339Met). This variant is present in population databases (no rsID available, gnomAD 0.0009%). This variant has not been reported in the literature in individuals affected with TGFBR1-related conditions. ClinVar contains an entry for this variant (Variation ID: 3070150). Invitae Evidence Modeling of protein sequence and biophysical properties (such as structural, functional, and spatial information, amino acid conservation, physicochemical variation, residue mobility, and thermodynamic stability) indicates that this missense variant is expected to disrupt TGFBR1 protein function with a positive predictive value of 80%. In summary, the available evidence is currently insufficient to determine the role of this variant in disease. Therefore, it has been classified as a Variant of Uncertain Significance.

All of Us Research Program, National Institutes of Health
Classification: Uncertain significance for Loeys-Dietz syndrome. Last evaluated: 2023-04-03. Review status: criteria provided, single submitter. Criteria: ACMG Guidelines, 2015. Collection method: clinical testing. Allele origin: germline. Inheritance: Autosomal dominant inheritance. Observed: 1 variant allele, 1 heterozygote.
Comment: This missense variant replaces isoleucine with methionine at codon 339 of the TGFBR1 protein. Computational prediction suggests that this variant may have deleterious impact on protein structure and function (internally defined REVEL score threshold >= 0.7, PMID: 27666373). To our knowledge, functional studies have not been reported for this variant. This variant has not been reported in individuals affected with TGFBR1-related disorders in the literature. This variant has been identified in 1/251038 chromosomes in the general population by the Genome Aggregation Database (gnomAD). The available evidence is insufficient to determine the role of this variant in disease conclusively. Therefore, this variant is classified as a Variant of Uncertain Significance.

This study involves interpretation of variants in research participants for the purpose of population health screening. Participant phenotype was not available at the time of variant classification. Additional details can be found in publication PMID: 35346344, PMCID: PMC8962531